The following is an entry in ClinVar:

NM_000037.4(ANK1):c.1378A>T (p.Lys460Ter)

Gene: ANK1 (ankyrin 1; minus strand). Cytogenetic location: 8p11.21.
Variant type: single nucleotide variant.
Coding change: c.1378A>T on transcript NM_000037.4 (MANE Select); coding-DNA position 1378, A replaced by T.
Protein change: p.Lys460Ter; replaces lysine 460 with a stop codon.
Molecular consequence: nonsense.
Genome position (GRCh38, 1-based): chr8:41,716,979, T>A on the plus strand (A>T on the coding strand, the complement: ANK1 is on the minus strand). VCF-style: chr8-41716979-T-A. GRCh37 (hg19) VCF-style: chr8-41574497-T-A.
Other names: c.1477A>T, p.Lys493Ter (NM_001142446.2); c.1378A>T, p.Lys460Ter (NM_020475.3, NM_020476.3, NM_020477.3); short protein forms K460*, K493*.
Identifiers: ClinVar variation 2017065 (VCV002017065.4), dbSNP rs2486923028, ClinGen allele CA371070687.
Genomic context (GRCh38, chr8:41,716,979, plus strand): 5'-CTGAAACCCTTCCCTTCCTGCCTTCACTACTCACCTTGGCCTTGGCATTGACTTTGGCTT[T>A]GTTCTGGAGTAAATATTTGGCCACTTCCGTGTGCCCGGCTCTGGCTGCCATGTGTAGCGG-3'

ClinVar aggregate classification (germline): Pathogenic (1 of 4 stars; one submission).

Submission:

Labcorp Genetics (formerly Invitae), Labcorp
Classification: Pathogenic. Last evaluated: 2022-07-14. Review status: criteria provided, single submitter. Criteria: Invitae Variant Classification Sherloc (09022015). Collection method: clinical testing. Allele origin: germline.
Comment: For these reasons, this variant has been classified as Pathogenic. This variant has not been reported in the literature in individuals affected with ANK1-related conditions. This variant is not present in population databases (gnomAD no frequency). This sequence change creates a premature translational stop signal (p.Lys460*) in the ANK1 gene. It is expected to result in an absent or disrupted protein product. Loss-of-function variants in ANK1 are known to be pathogenic (PMID: 8640229).

Literature cited by the submitters: PubMed 8640229.